The following is an entry in ClinVar:

ClinVar aggregate classification (germline): Likely benign (0 of 4 stars; one submission).

Conditions:
SDK2-related disorder. Also called: SDK2-related condition.

Submission:

PreventionGenetics, part of Exact Sciences
Classification: Likely benign for SDK2-related condition. Last evaluated: 2019-05-28. Review status: no assertion criteria provided. Collection method: clinical testing. Allele origin: germline.
Comment: This variant is classified as likely benign based on ACMG/AMP sequence variant interpretation guidelines (Richards et al. 2015 PMID: 25741868, with internal and published modifications).

NM_001144952.2(SDK2):c.4706-3T>A

Gene: SDK2 (sidekick cell adhesion molecule 2; minus strand). Cytogenetic location: 17q25.1.
Variant type: single nucleotide variant.
Coding change: c.4706-3T>A on transcript NM_001144952.2 (MANE Select); 3 bases into the intron before coding-DNA position 4706, T replaced by A.
Molecular consequence: intron variant.
Genome position (GRCh38, 1-based): chr17:73,380,953, A>T on the plus strand (T>A on the coding strand, the complement: SDK2 is on the minus strand). VCF-style: chr17-73380953-A-T. GRCh37 (hg19) VCF-style: chr17-71377092-A-T.
Identifiers: ClinVar variation 3038870 (VCV003038870.2), dbSNP rs2062825575, ClinGen allele CA986171083.